The following is an entry in ClinVar:

ClinVar aggregate classification (germline): Benign/Likely benign. Review status: criteria provided, multiple submitters, no conflicts (2 of 4 stars). 5 submissions from 5 submitters: Benign (1); Likely benign (4). Last evaluated 2025-07-12.

Conditions:
Multiple cutaneous and mucosal venous malformations (VMCM). Also called: TEK-Related Multiple Cutaneous and Mucosal Venous Malformations (VMCM). Identifiers: Orphanet 2451, MedGen C1838437, MONDO:0010842, OMIM 600195.

Allele frequency attached by ClinVar (database versions not stated): ESP Exome Variant Server 0.00023; TOPMed 0.00033.
gnomAD v4.1: 466 of 1,613,864 alleles (0.029%); highest among the groups gnomAD compares: Non-Finnish European, 0.035%; no homozygotes.

Submissions (5):

Labcorp Genetics (formerly Invitae), Labcorp
Classification: Likely benign. Last evaluated: 2025-07-12. Review status: criteria provided, single submitter. Criteria: Invitae Variant Classification Sherloc (09022015). Collection method: clinical testing. Allele origin: germline.

Blueprint Genetics
Classification: Likely benign. Last evaluated: 2024-11-18. Review status: criteria provided, single submitter. Criteria: ACMG Guidelines, 2015. Collection method: clinical testing. Allele origin: germline.

CeGaT Center for Human Genetics Tuebingen
Classification: Likely benign. Last evaluated: 2024-07-01. Review status: criteria provided, single submitter. Criteria: CeGaT Center For Human Genetics Tuebingen Variant Classification Criteria Version 2. Collection method: clinical testing. Allele origin: germline. Affected: yes. Observed: 1 variant allele.
Comment: TEK: BP4

Illumina Laboratory Services, Illumina
Classification: Benign for Multiple cutaneous and mucosal venous malformations. Last evaluated: 2018-01-13. Review status: criteria provided, single submitter. Criteria: ICSL Variant Classification Criteria 13 December 2019. Collection method: clinical testing. Allele origin: germline.
Comment: This variant was observed in the ICSL laboratory as part of a predisposition screen in an ostensibly healthy population. It had not been previously curated by ICSL or reported in the Human Gene Mutation Database (HGMD: prior to June 1st, 2018), and was therefore a candidate for classification through an automated scoring system. Utilizing variant allele frequency, disease prevalence and penetrance estimates, and inheritance mode, an automated score was calculated to assess if this variant is too frequent to cause the disease. Based on the score and internal cut-off values, a variant classified as benign is not then subjected to further curation. The score for this variant resulted in a classification of benign for this disease.

Breakthrough Genomics
Classification: Likely benign. Review status: criteria provided, single submitter. Criteria: ACMG Guidelines, 2015. Collection method: not provided. Allele origin: germline. Inheritance: Autosomal dominant inheritance. Affected: yes.

NM_000459.5(TEK):c.1565G>T (p.Arg522Leu)

Gene: TEK (TEK receptor tyrosine kinase; plus strand). Cytogenetic location: 9p21.2.
Variant type: single nucleotide variant.
Coding change: c.1565G>T on transcript NM_000459.5 (MANE Select); coding-DNA position 1565, G replaced by T.
Protein change: p.Arg522Leu; replaces arginine 522 with leucine.
Molecular consequence: missense variant.
Genome position (GRCh38, 1-based): chr9:27,192,564, G>T. VCF-style: chr9-27192564-G-T. GRCh37 (hg19) VCF-style: chr9-27192562-G-T.
Other names: c.1436G>T, p.Arg479Leu (NM_001290077.2, NM_001375476.1); c.1124G>T, p.Arg375Leu (NM_001290078.2); c.1565G>T, p.Arg522Leu (NM_001375475.1); short protein forms R522L, R375L, R479L.
Identifiers: ClinVar variation 366426 (VCV000366426.30), dbSNP rs138894008, ClinGen allele CA5016280.